The following is an entry in ClinVar:

NM_024529.5(CDC73):c.1481dup (p.Thr495fs)

Gene: CDC73 (cell division cycle 73; plus strand). Cytogenetic location: 1q31.2.
Variant type: Duplication.
Coding change: c.1481dup on transcript NM_024529.5 (MANE Select); coding-DNA position 1481, one base duplicated (T; older notation c.1481dupT).
Protein change: p.Thr495fs; shifts the reading frame from threonine 495.
Molecular consequence: frameshift variant.
Genome position (GRCh38, 1-based): chr1:193,249,793, T duplicated. VCF-style (leftmost placement, unchanged base first): chr1-193249792-G-GT. GRCh37 (hg19) VCF-style: chr1-193218922-G-GT.
Other names: c.1481dupT (NM_024529.4); short protein forms T495fs.
Identifiers: ClinVar variation 4223482 (VCV004223482.1).

ClinVar aggregate classification (germline): Uncertain significance (1 of 4 stars; one submission).

Conditions:
Hereditary cancer-predisposing syndrome. Also called: Hereditary Cancer Syndrome; Hereditary neoplastic syndrome; Neoplastic Syndromes, Hereditary; Tumor predisposition. Identifiers: Orphanet 140162, MedGen C0027672, MeSH D009386, MONDO:0015356.

Submission:

Ambry Genetics
Classification: Uncertain significance for Hereditary cancer-predisposing syndrome. Last evaluated: 2025-08-08. Review status: criteria provided, single submitter. Criteria: Ambry Variant Classification Scheme 2023. Collection method: clinical testing. Allele origin: germline.
Comment: The c.1481dupT variant, located in coding exon 16 of the CDC73 gene, results from a duplication of T at nucleotide position 1481, causing a translational frameshift with a predicted alternate stop codon (p.T495Nfs*14). This alteration occurs at the 3' terminus of theCDC73 gene, is not expected to trigger nonsense-mediated mRNAdecay, and impacts the last 7% of the protein. The exact functional effect of this alteration is unknown. Based on the available evidence, the clinical significance of this variant remains unclear.